The following is an entry in ClinVar:

ClinVar aggregate classification (germline): Uncertain significance (1 of 4 stars; one submission).

Conditions:
Craniolenticulosutural dysplasia (CLSD). Also called: BOYADJIEV-JABS SYNDROME. Identifiers: Orphanet 50814, MedGen C1843042, MONDO:0011911, OMIM 607812.

Allele frequency attached by ClinVar (database versions not stated): gnomAD exomes below 0.00001.
gnomAD v4.1: 2 of 1,614,028 alleles (0.00012%); highest among the groups gnomAD compares: Admixed American, 0.0017%; no homozygotes.

Submission:

Labcorp Genetics (formerly Invitae), Labcorp
Classification: Uncertain significance for Craniolenticulosutural dysplasia. Last evaluated: 2020-11-26. Review status: criteria provided, single submitter. Criteria: Invitae Variant Classification Sherloc (09022015). Collection method: clinical testing. Allele origin: germline.
Comment: In summary, the available evidence is currently insufficient to determine the role of this variant in disease. Therefore, it has been classified as a Variant of Uncertain Significance. Algorithms developed to predict the effect of missense changes on protein structure and function are either unavailable or do not agree on the potential impact of this missense change (SIFT: "Not Available"; PolyPhen-2: "Benign"; Align-GVGD: "Not Available"). This variant has not been reported in the literature in individuals with SEC23A-related conditions. This variant is not present in population databases (ExAC no frequency). This sequence change replaces alanine with threonine at codon 39 of the SEC23A protein (p.Ala39Thr). The alanine residue is highly conserved and there is a small physicochemical difference between alanine and threonine.

NM_006364.4(SEC23A):c.115G>A (p.Ala39Thr)

Gene: SEC23A (SEC23 homolog A, COPII component; minus strand). Cytogenetic location: 14q21.1.
Variant type: single nucleotide variant.
Coding change: c.115G>A on transcript NM_006364.4 (MANE Select); coding-DNA position 115, G replaced by A.
Protein change: p.Ala39Thr; replaces alanine 39 with threonine.
Molecular consequence: missense variant.
Genome position (GRCh38, 1-based): chr14:39,096,004, C>T on the plus strand (G>A on the coding strand, the complement: SEC23A is on the minus strand). VCF-style: chr14-39096004-C-T. GRCh37 (hg19) VCF-style: chr14-39565208-C-T.
Other names: short protein forms A39T.
Identifiers: ClinVar variation 1487703 (VCV001487703.6), dbSNP rs2139298560, ClinGen allele CA389537784.